The following is an entry in ClinVar:

NM_022437.3(ABCG8):c.1556C>T (p.Ala519Val)

Gene: ABCG8 (ATP binding cassette subfamily G member 8; plus strand). Cytogenetic location: 2p21.
Variant type: single nucleotide variant.
Coding change: c.1556C>T on transcript NM_022437.3 (MANE Select); coding-DNA position 1556, C replaced by T.
Protein change: p.Ala519Val; replaces alanine 519 with valine.
Molecular consequence: missense variant.
Genome position (GRCh38, 1-based): chr2:43,875,213, C>T. VCF-style: chr2-43875213-C-T. GRCh37 (hg19) VCF-style: chr2-44102352-C-T.
Other names: c.1553C>T, p.Ala518Val (NM_001357321.2); short protein forms A518V, A519V.
Identifiers: ClinVar variation 2497636 (VCV002497636.2), dbSNP rs766298043, ClinGen allele CA346670341.

ClinVar aggregate classification (germline): Uncertain significance (1 of 4 stars; one submission).

Conditions:
Cardiovascular phenotype. Identifiers: MedGen CN230736.

gnomAD v4.1: 2 of 1,614,064 alleles (0.00012%); highest among the groups gnomAD compares: Non-Finnish European, 0.00017%; no homozygotes.

Submission:

Ambry Genetics
Classification: Uncertain significance for Cardiovascular phenotype. Last evaluated: 2023-02-16. Review status: criteria provided, single submitter. Criteria: Ambry Variant Classification Scheme 2023. Collection method: clinical testing. Allele origin: germline.
Comment: The p.A519V variant (also known as c.1556C>T), located in coding exon 11 of the ABCG8 gene, results from a C to T substitution at nucleotide position 1556. The alanine at codon 519 is replaced by valine, an amino acid with similar properties. This amino acid position is conserved. In addition, this alteration is predicted to be tolerated by in silico analysis. Since supporting evidence is limited at this time, the clinical significance of this alteration remains unclear.